The following is an entry in ClinVar:

ClinVar aggregate classification (germline): Uncertain significance (1 of 4 stars; one submission).

Submission:

Kariminejad - Najmabadi Pathology & Genetics Center
Classification: Uncertain significance. Last evaluated: 2016-10-01. Review status: criteria provided, single submitter. Criteria: ACMG Guidelines, 2015. Collection method: clinical testing. Allele origin: germline. Inheritance: Autosomal recessive inheritance. Affected: yes.
Comment: PM2, PM3_Supporting, PP3

NM_001130987.2(DYSF):c.2429A>T (p.Asp810Val)

Gene: DYSF (dysferlin; plus strand). Cytogenetic location: 2p13.2.
Variant type: single nucleotide variant.
Coding change: c.2429A>T on transcript NM_001130987.2 (MANE Select); coding-DNA position 2429, A replaced by T.
Protein change: p.Asp810Val; replaces aspartic acid 810 with valine.
Molecular consequence: missense variant.
Genome position (GRCh38, 1-based): chr2:71,564,077, A>T. VCF-style: chr2-71564077-A-T. GRCh37 (hg19) VCF-style: chr2-71791207-A-T.
Other names: c.2378A>T, p.Asp793Val (NM_001130455.2, NM_001130983.2); c.2333A>T, p.Asp778Val (NM_001130976.2, NM_001130977.2); c.2375A>T, p.Asp792Val (NM_001130978.2, NM_003494.4); c.2468A>T, p.Asp823Val (NM_001130979.2); c.2426A>T, p.Asp809Val (NM_001130980.2, NM_001130981.2); c.2471A>T, p.Asp824Val (NM_001130982.2); c.2336A>T, p.Asp779Val (NM_001130984.2, NM_001130986.2); c.2429A>T, p.Asp810Val (NM_001130985.2); short protein forms D778V, D779V, D792V, D793V, D809V, D810V, D823V, D824V.
Identifiers: ClinVar variation 3896850 (VCV003896850.1).